The following is an entry in ClinVar:

ClinVar aggregate classification (germline): Likely benign (1 of 4 stars; one submission).

gnomAD v4.1: 23 of 1,582,886 alleles (0.0015%); highest among the groups gnomAD compares: African/African-American, 0.0063%; no homozygotes.

Submission:

CeGaT Center for Human Genetics Tuebingen
Classification: Likely benign. Last evaluated: 2025-09-01. Review status: criteria provided, single submitter. Criteria: CeGaT Center For Human Genetics Tuebingen Variant Classification Criteria Version 2. Collection method: clinical testing. Allele origin: germline. Affected: yes. Observed: 1 variant allele.
Comment: PRB2: BP4, BP7

NM_006248.4(PRB2):c.954C>T (p.Pro318=)

Gene: PRB2 (proline rich protein BstNI subfamily 2). Cytogenetic location: 12p13.2.
Variant type: single nucleotide variant.
Coding change: c.954C>T on transcript NM_006248.4 (MANE Select); coding-DNA position 954, C replaced by T.
Protein change: p.Pro318=; no amino-acid change (proline 318 retained).
Molecular consequence: synonymous variant.
Genome position (GRCh38, 1-based): chr12:11,393,124, G>A on the plus strand (C>T on the coding strand, the complement: PRB2 is on the minus strand). VCF-style: chr12-11393124-G-A. GRCh37 (hg19) VCF-style: chr12-11546058-G-A.
Identifiers: ClinVar variation 4280899 (VCV004280899.7).